The following is an entry in ClinVar:

ClinVar aggregate classification (germline): Pathogenic/Likely pathogenic. Review status: criteria provided, multiple submitters, no conflicts (2 of 4 stars). 7 submissions from 7 submitters: Pathogenic (6); Likely pathogenic (1). Last evaluated 2025-10-12.

Conditions:
Cardiovascular phenotype. Identifiers: MedGen CN230736.
Hereditary cancer-predisposing syndrome. Also called: Tumor predisposition; Neoplastic Syndromes, Hereditary; Hereditary Cancer Syndrome; Hereditary neoplastic syndrome. Identifiers: Orphanet 140162, MedGen C0027672, MeSH D009386, MONDO:0015356.
Neurofibromatosis, type 1 (NF1). Also called: NEUROFIBROMATOSIS, TYPE I, SOMATIC; VON RECKLINGHAUSEN DISEASE; Neurofibromatosis, type I; Peripheral type neurofibromatosis. Identifiers: Orphanet 636, MedGen C0027831, MONDO:0018975, OMIM 162200. Disease mechanism: loss of function.

Allele frequency attached by ClinVar (database versions not stated): TOPMed below 0.00001; gnomAD 0.00001.

Submissions (7):

Labcorp Genetics (formerly Invitae), Labcorp
Classification: Pathogenic for Neurofibromatosis, type 1. Last evaluated: 2025-10-12. Review status: criteria provided, single submitter. Criteria: Invitae Variant Classification Sherloc (09022015). Collection method: clinical testing. Allele origin: germline.
Comment: This sequence change creates a premature translational stop signal (p.Trp2204*) in the NF1 gene. It is expected to result in an absent or disrupted protein product. Loss-of-function variants in NF1 are known to be pathogenic (PMID: 10712197, 23913538). This variant is not present in population databases (gnomAD no frequency). This premature translational stop signal has been observed in individual(s) with clinical features of neurofibromatosis type 1 (PMID: 25074460, 31370276). ClinVar contains an entry for this variant (Variation ID: 488819). For these reasons, this variant has been classified as Pathogenic.

Ambry Genetics
Classification: Pathogenic for Cardiovascular phenotype; Hereditary cancer-predisposing syndrome. Last evaluated: 2025-02-10. Review status: criteria provided, single submitter. Criteria: Ambry Variant Classification Scheme 2023. Collection method: clinical testing. Allele origin: germline.
Comment: The p.W2204* pathogenic mutation (also known as c.6611G>A), located in coding exon 43 of the NF1 gene, results from a G to A substitution at nucleotide position 6611. This changes the amino acid from a tryptophan to a stop codon within coding exon 43. This alteration was reported in 1/279 patients undergoing clinical testing for NF1 (Pasmant E et al. Eur. J. Hum. Genet., 2015 May;23:596-601). In addition to the information presented in the literature, this alteration is expected to result in loss of function by premature protein truncation or nonsense-mediated mRNA decay. As such, this alteration is interpreted as a disease-causing mutation.

GeneDx
Classification: Pathogenic. Last evaluated: 2022-12-16. Review status: criteria provided, single submitter. Criteria: GeneDx Variant Classification Process June 2021. Collection method: clinical testing. Allele origin: germline. Affected: yes.
Comment: Nonsense variant predicted to result in protein truncation and nonsense mediated decay in a gene for which loss of function is a known mechanism of disease; Not observed at significant frequency in large population cohorts (gnomAD); This variant is associated with the following publications: (PMID: 23913538, 10712197, 29617658, 31370276, 25074460)

Genome-Nilou Lab
Classification: Pathogenic for Neurofibromatosis, type 1. Last evaluated: 2022-03-15. Review status: criteria provided, single submitter. Criteria: ACMG Guidelines, 2015. Collection method: clinical testing. Allele origin: germline. Affected: no.

Genome Diagnostics Laboratory, The Hospital for Sick Children
Classification: Pathogenic for Neurofibromatosis, type 1. Last evaluated: 2020-10-26. Review status: criteria provided, single submitter. Criteria: ACMG Guidelines, 2015. Collection method: clinical testing. Allele origin: germline. Affected: yes.

Revvity Omics, Revvity
Classification: Pathogenic. Last evaluated: 2019-10-10. Review status: criteria provided, single submitter. Criteria: ACMG Guidelines, 2015. Collection method: clinical testing. Allele origin: germline.

Center for Human Genetics, Inc
Classification: Likely pathogenic for Neurofibromatosis, type 1. Last evaluated: 2016-11-01. Review status: criteria provided, single submitter. Criteria: ACMG Guidelines, 2015. Collection method: clinical testing. Allele origin: germline. Affected: yes.

Literature cited by the submitters: PubMed 10712197 (cited by Labcorp Genetics (formerly Invitae), Labcorp); PubMed 23913538 (cited by Labcorp Genetics (formerly Invitae), Labcorp); PubMed 25074460 (cited by Labcorp Genetics (formerly Invitae), Labcorp and Ambry Genetics); PubMed 31370276 (cited by Labcorp Genetics (formerly Invitae), Labcorp).

NM_001042492.3(NF1):c.6674G>A (p.Trp2225Ter)

Gene: NF1 (neurofibromin 1; plus strand). Cytogenetic location: 17q11.2.
Variant type: single nucleotide variant.
Coding change: c.6674G>A on transcript NM_001042492.3 (MANE Select); coding-DNA position 6674, G replaced by A.
Protein change: p.Trp2225Ter; replaces tryptophan 2225 with a stop codon.
Molecular consequence: nonsense.
Genome position (GRCh38, 1-based): chr17:31,337,850, G>A. VCF-style: chr17-31337850-G-A. GRCh37 (hg19) VCF-style: chr17-29664868-G-A.
Other names: c.6611G>A, p.Trp2204Ter (NM_000267.4); short protein forms W2204*, W2225*.
Identifiers: ClinVar variation 488819 (VCV000488819.19), dbSNP rs1193716348, ClinGen allele CA399013829.
Genomic context (GRCh38, chr17:31,337,850, plus strand): 5'-ATATGTATTCAGAGTATCCCCTTTTTTAGGCATGCATGAGAGATATTCCAACGTGCAAGT[G>A]GCTGGACCAGTGGACAGAACTAGCTCAAAGGTATGTCCTAAATTAAATATAAGTTGTAAA-3'